The following is an entry in ClinVar:

NM_003865.3(HESX1):c.224T>G (p.Val75Gly)

Gene: HESX1 (HESX homeobox 1; minus strand). Cytogenetic location: 3p14.3.
Variant type: single nucleotide variant.
Coding change: c.224T>G on transcript NM_003865.3 (MANE Select); coding-DNA position 224, T replaced by G.
Protein change: p.Val75Gly; replaces valine 75 with glycine.
Molecular consequence: missense variant.
Genome position (GRCh38, 1-based): chr3:57,198,886, A>C on the plus strand (T>G on the coding strand, the complement: HESX1 is on the minus strand). VCF-style: chr3-57198886-A-C. GRCh37 (hg19) VCF-style: chr3-57232914-A-C.
Other names: c.224T>G, p.Val75Gly (NM_001376058.1, NM_001376059.1, NM_001376060.1 and 1 more transcripts); short protein forms V75G.
Identifiers: ClinVar variation 2953886 (VCV002953886.3), dbSNP rs2471735121, ClinGen allele CA353401428.

ClinVar aggregate classification (germline): Uncertain significance (1 of 4 stars; one submission).

Conditions:
Septo-optic dysplasia sequence (SOD). Also called: Septo-optic dysplasia; DE MORSIER SYNDROME. Identifiers: Orphanet 3157, MedGen C0338503, MONDO:0008428, OMIM 182230, HP:0100842.
GROWTH HORMONE DEFICIENCY WITH PITUITARY ANOMALIES. Identifiers: MedGen C2750027, OMIM 182230.

Submission:

Labcorp Genetics (formerly Invitae), Labcorp
Classification: Uncertain significance for GROWTH HORMONE DEFICIENCY WITH PITUITARY ANOMALIES; Septo-optic dysplasia sequence. Last evaluated: 2023-11-22. Review status: criteria provided, single submitter. Criteria: Invitae Variant Classification Sherloc (09022015). Collection method: clinical testing. Allele origin: germline.
Comment: This sequence change replaces valine, which is neutral and non-polar, with glycine, which is neutral and non-polar, at codon 75 of the HESX1 protein (p.Val75Gly). This variant is not present in population databases (gnomAD no frequency). This variant has not been reported in the literature in individuals affected with HESX1-related conditions. Algorithms developed to predict the effect of missense changes on protein structure and function output the following: SIFT: "Not Available"; PolyPhen-2: "Benign"; Align-GVGD: "Not Available". The glycine amino acid residue is found in multiple mammalian species, which suggests that this missense change does not adversely affect protein function. In summary, the available evidence is currently insufficient to determine the role of this variant in disease. Therefore, it has been classified as a Variant of Uncertain Significance.